The following is an entry in ClinVar:

ClinVar aggregate classification (germline): Pathogenic. Review status: criteria provided, single submitter (1 of 4 stars). 4 submissions from 4 submitters: Pathogenic (1). 3 of the submissions do not count toward it. Last evaluated 2025-06-16.

Conditions:
Brain small vessel disease 1 with or without ocular anomalies (BSVD1). Also called: Brain small vessel disease with or without ocular anomalies; PORENCEPHALY, TYPE 1, AUTOSOMAL DOMINANT; GOULD SYNDROME 1; BRAIN SMALL VESSEL DISEASE WITH HEMORRHAGE. Identifiers: Orphanet 2940, Orphanet 36383, Orphanet 99810, MedGen C4755307, MONDO:0008289, OMIM 175780.
COL4A1-related disorder. Also called: COL4A1-related condition; COL4A1-related disorders. Identifiers: MedGen CN376119, MONDO:0800461.
Developmental cataract. Also called: Bilateral cataracts; Congenital cataracts; Congenital cataract. Identifiers: MedGen C0009691, HP:0000519.

Allele frequency attached by ClinVar (database versions not stated): gnomAD exomes below 0.00001.
gnomAD v4.1: 1 of 1,613,960 alleles (0.000062%); highest among the groups gnomAD compares: Non-Finnish European, 0.000085%; no homozygotes.

Submissions (4):

Victorian Clinical Genetics Services, Murdoch Childrens Research Institute
Classification: Pathogenic for COL4A1-related disorder. Last evaluated: 2025-06-16. Review status: criteria provided, single submitter. Criteria: ACMG Guidelines, 2015. Collection method: clinical testing. Allele origin: germline. Affected: yes.
Comment: This variant is classified as Pathogenic. Evidence in support of pathogenic classification: Variant is present in gnomAD <0.001 for a dominant condition (v4: 1 heterozygote(s), 0 homozygote(s)); This variant has moderate previous evidence of pathogenicity in unrelated individuals. This variant has been reported in the literature in three unrelated families with COL4A1-related phenotypes, including cataracts (PMIDs: 22932948, 36161833, 17696175); This variant has strong evidence for segregation with disease. This variant has been shown to segregate with disease in multiple affected individuals in multiple unrelated families in the literature (PMIDs: 17696175, 36161833, 22932948). - Variant is located in the well-established functional collagen domain and affects a glycine residue in the Gly-X-Y motif (DECIPHER); Missense variant predicted to be damaging by in silico tool(s) or highly conserved with a major amino acid change. Additional information: Variant is predicted to result in a missense amino acid change from glycine to aspartic acid; This variant is heterozygous; This gene is associated with autosomal dominant disease; No comparable missense variants have previous evidence for pathogenicity; Loss of function is a known mechanism of disease in this gene and is associated with COL4A1-related disorder (MONDO:0800461). Glycine substitutions affecting the Gly-X-Y repeat motif are known to have a dominant-negative mechanism of disease in other collagen genes, but conclusive functional evidence of a dominant-negative mechanism in this gene is not available (PMID: 16159887, 1867713, 23225343); The condition associated with this gene has incomplete penetrance (PMIDs: 21625620, 30413629); Parental origin of the variant is unresolved.

Dept. Genetics and Cancer, Menzies Institute for Medical Research, University of Tasmania
Classification: Likely pathogenic for Developmental cataract. Last evaluated: 2021-05-01. Review status: no assertion criteria provided. Criteria: ACMG Guidelines, 2015. Collection method: research. Allele origin: germline. Affected: yes. Not counted in ClinVar's aggregate classification.
Comment: PM2, PP1_strong, PP3. Absent/near absent from population databases. Alternate source reports variant as pathogenic in family with additional congenital cataract phenotype (PMID: 17696175), segregation (strong) with the disease in two families with 6 meioses (this study and PMID: 17696175). Multiple predictive tools assessing variant as damaging/pathogenic.

OMIM
Classification: Pathogenic for BRAIN SMALL VESSEL DISEASE 1 WITH OCULAR ANOMALIES. Last evaluated: 2007-08-01. Review status: no assertion criteria provided. Collection method: literature only. Allele origin: germline. Not counted in ClinVar's aggregate classification.

GeneReviews
No classification provided. Condition: Brain small vessel disease 1 with or without ocular anomalies. Review status: no classification provided. Collection method: literature only. Allele origin: unknown. Not counted in ClinVar's aggregate classification.

Literature cited by the submitters: PubMed 30413629 (cited by Victorian Clinical Genetics Services, Murdoch Childrens Research Institute); PubMed 1867713 (cited by Victorian Clinical Genetics Services, Murdoch Childrens Research Institute); PubMed 22932948 (cited by Victorian Clinical Genetics Services, Murdoch Childrens Research Institute); PubMed 17696175 (cited by Victorian Clinical Genetics Services, Murdoch Childrens Research Institute and OMIM); PubMed 21625620 (cited by Victorian Clinical Genetics Services, Murdoch Childrens Research Institute); PubMed 16159887 (cited by Victorian Clinical Genetics Services, Murdoch Childrens Research Institute); PubMed 36161833 (cited by Victorian Clinical Genetics Services, Murdoch Childrens Research Institute); PubMed 23225343 (cited by Victorian Clinical Genetics Services, Murdoch Childrens Research Institute); PubMed 20301768 (cited by GeneReviews); NCBI Bookshelf NBK7046 (cited by GeneReviews).

NM_001845.6(COL4A1):c.2159G>A (p.Gly720Asp)

Gene: COL4A1 (collagen type IV alpha 1 chain; minus strand). Cytogenetic location: 13q34.
Variant type: single nucleotide variant.
Coding change: c.2159G>A on transcript NM_001845.6 (MANE Select); coding-DNA position 2159, G replaced by A.
Protein change: p.Gly720Asp; replaces glycine 720 with aspartic acid.
Molecular consequence: missense variant.
Genome position (GRCh38, 1-based): chr13:110,181,326, C>T on the plus strand (G>A on the coding strand, the complement: COL4A1 is on the minus strand). VCF-style: chr13-110181326-C-T. GRCh37 (hg19) VCF-style: chr13-110833673-C-T.
Other names: short protein forms G720D.
Identifiers: ClinVar variation 17421 (VCV000017421.9), dbSNP rs113994108, ClinGen allele CA343273.